The following is an entry in ClinVar:

NM_000458.4(HNF1B):c.1540G>A (p.Ala514Thr)

Gene: HNF1B (HNF1 homeobox B; minus strand). Cytogenetic location: 17q12.
Variant type: single nucleotide variant.
Coding change: c.1540G>A on transcript NM_000458.4 (MANE Select); coding-DNA position 1540, G replaced by A.
Protein change: p.Ala514Thr; replaces alanine 514 with threonine.
Molecular consequence: missense variant. On other transcripts: intron variant (1).
Genome position (GRCh38, 1-based): chr17:37,699,189, C>T on the plus strand (G>A on the coding strand, the complement: HNF1B is on the minus strand). VCF-style: chr17-37699189-C-T. GRCh37 (hg19) VCF-style: chr17-36059195-C-T.
Other names: c.1462G>A, p.Ala488Thr (NM_001165923.4); c.1261+5728G>A (NM_001304286.2); short protein forms A514T, A488T.
Identifiers: ClinVar variation 635578 (VCV000635578.2), dbSNP rs1417085693, ClinGen allele CA398754068.

ClinVar aggregate classification (germline): Uncertain significance. Review status: criteria provided, single submitter (1 of 4 stars). 2 submissions from 2 submitters: Uncertain significance (1). 1 of the submissions does not count toward it. Last evaluated 2019-07-06.

Conditions:
HNF1B-related disorder. Also called: HNF1B-related condition; HNF1B-related disorders.
Renal cysts and diabetes syndrome (RCAD). Also called: Familial hypoplastic, glomerulocystic kidney; MATURITY-ONSET DIABETES OF THE YOUNG, TYPE 5. Identifiers: Orphanet 93111, MedGen C0431693, MONDO:0007669, OMIM 137920.

Allele frequency attached by ClinVar (database versions not stated): gnomAD exomes below 0.00001; gnomAD 0.00001; TOPMed 0.00001.

Submissions (2):

Institute of Human Genetics, FAU Erlangen, Friedrich-Alexander-Universität Erlangen-Nürnberg
Classification: Uncertain significance for Renal cysts and diabetes syndrome. Last evaluated: 2019-07-06. Review status: criteria provided, single submitter. Criteria: ACMG Guidelines, 2015. Collection method: literature only. Allele origin: germline. Affected: yes.
Comment: This variant and it's classification has been reported by Vasileiou et al. 2019; DOI:10.1101/576918. The variants has previously been reported in PMID:28420700 as "c.1540G>A,p.Ala514Thra" with clinical significance VUS. It has been re-classified using InterVar and manual curation as Uncertain significance based on PM1 BP4.

PreventionGenetics, part of Exact Sciences
Classification: Uncertain significance for HNF1B-related condition. Last evaluated: 2024-08-09. Review status: no assertion criteria provided. Collection method: clinical testing. Allele origin: germline. Not counted in ClinVar's aggregate classification.
Comment: The HNF1B c.1540G>A variant is predicted to result in the amino acid substitution p.Ala514Thr. This variant has been reported in study of long-term prognosis and genotype/phenotype correlation in adult patients with HNF1B variants, however specific details were not provided (Table S1, Dubois-Laforgue et al. 2017. PubMed ID: 28420700). This variant is reported in 0.0065% of alleles in individuals of South Asian descent in gnomAD. At this time, the clinical significance of this variant is uncertain due to the absence of conclusive functional and genetic evidence.

Literature cited by the submitters: PubMed 28420700 (cited by Institute of Human Genetics, FAU Erlangen, Friedrich-Alexander-Universität Erlangen-Nürnberg); DOI 10.1101/576918 (cited by Institute of Human Genetics, FAU Erlangen, Friedrich-Alexander-Universität Erlangen-Nürnberg).